The following is an entry in ClinVar:

NM_001267550.2(TTN):c.64903C>T (p.Arg21635Cys)

Genes: TTN (titin; minus strand), TTN-AS1 (TTN antisense RNA 1; plus strand). Cytogenetic location: 2q31.2.
Variant type: single nucleotide variant.
Coding change: c.64903C>T on transcript NM_001267550.2 (MANE Select); coding-DNA position 64903, C replaced by T.
Protein change: p.Arg21635Cys; replaces arginine 21635 with cysteine.
Molecular consequence: missense variant. On other transcripts: non-coding transcript variant (1).
Genome position (GRCh38, 1-based): chr2:178,584,738, G>A on the plus strand (C>T on the coding strand, the complement: TTN is on the minus strand). VCF-style: chr2-178584738-G-A. GRCh37 (hg19) VCF-style: chr2-179449465-G-A.
Other names: c.59980C>T, p.Arg19994Cys (NM_001256850.1); c.57199C>T, p.Arg19067Cys (NM_133378.4); c.37708C>T, p.Arg12570Cys (NM_003319.4); c.38083C>T, p.Arg12695Cys (NM_133432.3); c.38284C>T, p.Arg12762Cys (NM_133437.4); short protein forms R21635C, R19067C, R19994C, R12570C, R12695C, R12762C.
Identifiers: ClinVar variation 47215 (VCV000047215.15), dbSNP rs201614524, ClinGen allele CA140367.

ClinVar aggregate classification (germline): Conflicting classifications of pathogenicity. Review status: criteria provided, conflicting classifications (1 of 4 stars). 9 submissions from 9 submitters: Uncertain significance (5); Likely benign (3). 1 of the submissions does not count toward it. Last evaluated 2026-08-01.

Conditions:
TTN-related disorder. Also called: TTN-related condition; TTN-related disease; TTN-related disorders.
Myopathy, myofibrillar, 9, with early respiratory failure (MFM9). Also called: Hereditary myopathy with early respiratory failure; EDSTROM MYOPATHY; MYOPATHY, PROXIMAL, WITH EARLY RESPIRATORY MUSCLE INVOLVEMENT; Myopathy, distal, with early respiratory failure, autosomal dominant. Identifiers: Orphanet 178464, Orphanet 34521, MedGen C1863599, MONDO:0011362, OMIM 603689.

Allele frequency attached by ClinVar (database versions not stated): ExAC 0.00002; gnomAD exomes 0.00002 and 0.00006; gnomAD 0.00005; TOPMed 0.00008; ESP Exome Variant Server 0.00017.

Submissions (9):

PreventionGenetics, part of Exact Sciences
Classification: Uncertain significance for TTN-related condition. Last evaluated: 2026-08-01. Review status: criteria provided, single submitter. Criteria: ACMG Guidelines, 2015. Collection method: clinical testing. Allele origin: germline.
Comment: The TTN c.64903C>T variant is predicted to result in the amino acid substitution p.Arg21635Cys. To our knowledge, this variant has not been reported in the literature. This variant is reported in 0.026% of alleles in individuals of East Asian descent in gnomAD. At this time, the clinical significance of this variant is uncertain due to the absence of conclusive functional and genetic evidence.

Molecular Diagnostic Laboratory for Inherited Cardiovascular Disease, Montreal Heart Institute
Classification: Likely benign. Last evaluated: 2026-03-27. Review status: criteria provided, single submitter. Criteria: ACMG Guidelines, 2015. Collection method: clinical testing. Allele origin: germline. Affected: no.
Comment: BP1

Revvity Omics, Revvity
Classification: Uncertain significance. Last evaluated: 2025-06-18. Review status: criteria provided, single submitter. Criteria: ACMG Guidelines, 2015. Collection method: clinical testing. Allele origin: germline.

Blueprint Genetics
Classification: Likely benign. Last evaluated: 2024-09-05. Review status: criteria provided, single submitter. Criteria: ACMG Guidelines, 2015. Collection method: clinical testing. Allele origin: germline.

Women's Health and Genetics/Laboratory Corporation of America, LabCorp
Classification: Uncertain significance. Last evaluated: 2023-06-13. Review status: criteria provided, single submitter. Criteria: LabCorp Variant Classification Summary - May 2015. Collection method: clinical testing. Allele origin: germline.
Comment: Variant summary: TTN c.57199C>T (p.Arg19067Cys) results in a non-conservative amino acid change located in the A-band of the encoded protein sequence. Three of four in-silico tools predict a damaging effect of the variant on protein function. The variant allele was found at a frequency of 6e-05 in 248496 control chromosomes in the gnomAD database, including 1 homozygotes. This frequency is not significantly higher than estimated for a pathogenic variant in TTN causing Dilated Cardiomyopathy (6e-05 vs 0.00039), allowing no conclusion about variant significance. c.57199C>T has been reported in the literature in an individual affected with Dilated Cardiomyopathy (Pugh_2014) without strong evidence for causality. To our knowledge, no experimental evidence demonstrating an impact on protein function has been reported. The following publication have been ascertained in the context of this evaluation (PMID: 24503780). Three clinical diagnostic laboratories have submitted clinical-significance assessments for this variant to ClinVar after 2014 and classified as VUS (n=2) and likely benign (n=1). Based on the evidence outlined above, the variant was classified as uncertain significance.

GeneDx
Classification: Likely benign. Last evaluated: 2019-04-25. Review status: criteria provided, single submitter. Criteria: GeneDx Variant Classification Process June 2021. Collection method: clinical testing. Allele origin: germline. Affected: yes.
Comment: This variant is associated with the following publications: (PMID: 24503780)

Baylor Genetics
Classification: Uncertain significance for Myopathy, myofibrillar, 9, with early respiratory failure. Last evaluated: 2018-01-24. Review status: criteria provided, single submitter. Criteria: ACMG Guidelines, 2015. Collection method: clinical testing. Allele origin: unknown. Affected: yes.
Comment: This variant was determined to be of uncertain significance according to ACMG Guidelines, 2015 [PMID:25741868].

Laboratory for Molecular Medicine, Mass General Brigham Personalized Medicine
Classification: Uncertain significance. Last evaluated: 2012-10-08. Review status: criteria provided, single submitter. Criteria: LMM Criteria. Collection method: clinical testing. Allele origin: germline. Observed: 2 variant alleles.
Comment: Variant classified as Uncertain Significance - Favor Benign. The Arg19067Cys var iant in TTN has been identified in 2/8240 European American chromosomes from a b road population by the NHLBI Exome Sequencing Project (. edu/EVS/). F amily studies suggest that the TTN variants may be less likely disease causing b ut computational analyses (biochemical amino acid properties, conservation, Alig nGVGD, PolyPhen2, and SIFT) suggest that the Arg19067Cys variant may impact the protein (please note: the accuracy of these tools is unknown and this informatio n is not predictive enough to determine pathogenicity). Additional information i s needed to fully assess the clinical significance of the Arg19067Cys variant.

Department of Pathology and Laboratory Medicine, Sinai Health System
Classification: Uncertain significance. Review status: no assertion criteria provided. Collection method: clinical testing. Allele origin: unknown. Affected: yes. Study: The Canadian Open Genetics Repository (COGR). Not counted in ClinVar's aggregate classification.
Comment: The TTN p.Arg19994Cys variant was not identified in the literature nor was it identified in LOVD 3.0. The variant was identified in dbSNP (ID: rs201614524) and ClinVar (classified as likely benign by GeneDx and uncertain significance by Laboratory for Molecular Medicine). The variant was identified in control databases in 17 of 279872 chromosomes (1 homozygous) at a frequency of 0.00006074 (Genome Aggregation Database March 6, 2019, v2.1.1). The variant was observed in the following populations: East Asian in 5 of 19474 chromosomes (freq: 0.000257), European (non-Finnish) in 10 of 127774 chromosomes (freq: 0.000078), African in 1 of 24194 chromosomes (freq: 0.000041) and Latino in 1 of 35352 chromosomes (freq: 0.000028), but was not observed in the Ashkenazi Jewish, European (Finnish), Other, or South Asian populations. The p.Arg19994 residue is conserved across mammals and other organisms, and computational analyses (PolyPhen-2, SIFT, AlignGVGD, BLOSUM, MutationTaster) suggest that the variant may impact the protein; however, this information is not predictive enough to assume pathogenicity. The variant occurs outside of the splicing consensus sequence and in silico or computational prediction software programs (SpliceSiteFinder, MaxEntScan, NNSPLICE, GeneSplicer) do not predict a difference in splicing. In summary, based on the above information the clinical significance of this variant cannot be determined with certainty at this time. This variant is classified as a variant of uncertain significance.

Literature cited by the submitters: PubMed 24503780 (cited by Women's Health and Genetics/Laboratory Corporation of America, LabCorp).